The following is an entry in ClinVar:

ClinVar aggregate classification (germline): Pathogenic/Likely pathogenic. Review status: criteria provided, multiple submitters, no conflicts (2 of 4 stars). 3 submissions from 3 submitters: Pathogenic (1); Likely pathogenic (2). Last evaluated 2025-02-26.

Conditions:
Charcot-Marie-Tooth disease. Also called: Charcot-Marie-Tooth Neuropathy; Charcot-Marie-Tooth Hereditary Neuropathy. Identifiers: Orphanet 166, MedGen C0007959, MONDO:0015626.
Charcot-Marie-Tooth disease, type I (CMT1). Also called: Charcot-Marie-Tooth, Type 1; Charcot-Marie-Tooth disease type 1. Identifiers: Orphanet 65753, MedGen C0751036, MONDO:0019011.

Submissions (3):

GeneDx
Classification: Likely pathogenic. Last evaluated: 2025-02-26. Review status: criteria provided, single submitter. Criteria: GeneDx Variant Classification Process June 2021. Collection method: clinical testing. Allele origin: germline. Affected: yes.
Comment: Reported previously in individuals with CMT in published literature (PMID: 32376792, 25614874); Not observed at significant frequency in large population cohorts (gnomAD); Missense variants in this gene are a common cause of disease and they are underrepresented in the general population; In silico analysis indicates that this missense variant does not alter protein structure/function; This variant is associated with the following publications: (PMID: 25614874, 32376792, 29465609, 26310628, 20461396)

Labcorp Genetics (formerly Invitae), Labcorp
Classification: Pathogenic for Charcot-Marie-Tooth disease, type I. Last evaluated: 2025-01-23. Review status: criteria provided, single submitter. Criteria: Invitae Variant Classification Sherloc (09022015). Collection method: clinical testing. Allele origin: germline.
Comment: This sequence change replaces proline, which is neutral and non-polar, with leucine, which is neutral and non-polar, at codon 105 of the MPZ protein (p.Pro105Leu). This variant is not present in population databases (gnomAD no frequency). This missense change has been observed in individuals with autosomal dominant Charcot-Marie-Tooth disease type-2 (CMT2) (PMID: 29465609; internal data). It has also been observed to segregate with disease in related individuals. Invitae Evidence Modeling of clinical and family history, age, sex, and reported ancestry of multiple individuals with this MPZ variant has been performed. This variant is expected to be pathogenic with a positive predictive value of at least 99%. This is a validated machine learning model that incorporates the clinical features of 11,906 individuals referred to our laboratory for MPZ testing. ClinVar contains an entry for this variant (Variation ID: 188325). Invitae Evidence Modeling of protein sequence and biophysical properties (such as structural, functional, and spatial information, amino acid conservation, physicochemical variation, residue mobility, and thermodynamic stability) indicates that this missense variant is not expected to disrupt MPZ protein function with a negative predictive value of 80%. This variant disrupts the p.Pro105 amino acid residue in MPZ. Other variant(s) that disrupt this residue have been observed in individuals with MPZ-related conditions (PMID: 17663472), which suggests that this may be a clinically significant amino acid residue. For these reasons, this variant has been classified as Pathogenic.

Molecular Genetics Laboratory, London Health Sciences Centre
Classification: Likely pathogenic for Charcot-Marie-Tooth disease. Review status: criteria provided, single submitter. Criteria: ACMG Guidelines, 2015. Collection method: clinical testing. Allele origin: germline. Affected: yes.

Literature cited by the submitters: PubMed 29465609 (cited by Labcorp Genetics (formerly Invitae), Labcorp); PubMed 17663472 (cited by Labcorp Genetics (formerly Invitae), Labcorp).

NM_000530.8(MPZ):c.314C>T (p.Pro105Leu)

Gene: MPZ (myelin protein zero; minus strand). Cytogenetic location: 1q23.3.
Variant type: single nucleotide variant.
Coding change: c.314C>T on transcript NM_000530.8 (MANE Select); coding-DNA position 314, C replaced by T.
Protein change: p.Pro105Leu; replaces proline 105 with leucine.
Molecular consequence: missense variant.
Genome position (GRCh38, 1-based): chr1:161,306,842, G>A on the plus strand (C>T on the coding strand, the complement: MPZ is on the minus strand). VCF-style: chr1-161306842-G-A. GRCh37 (hg19) VCF-style: chr1-161276632-G-A.
Other names: c.314C>T (LRG_256t1); c.314C>T, p.Pro105Leu (NM_001315491.2); short protein forms P105L.
Identifiers: ClinVar variation 188325 (VCV000188325.11), dbSNP rs786204215, ClinGen allele CA334615.